The following is an entry in ClinVar:

ClinVar aggregate classification (germline): Uncertain significance (1 of 4 stars; one submission).

Conditions:
Hereditary cancer-predisposing syndrome. Also called: Neoplastic Syndromes, Hereditary; Tumor predisposition; Hereditary Cancer Syndrome; Hereditary neoplastic syndrome. Identifiers: Orphanet 140162, MedGen C0027672, MeSH D009386, MONDO:0015356.

Submission:

Ambry Genetics
Classification: Uncertain significance for Hereditary cancer-predisposing syndrome. Last evaluated: 2025-05-28. Review status: criteria provided, single submitter. Criteria: Ambry Variant Classification Scheme 2023. Collection method: clinical testing. Allele origin: germline.
Comment: The p.E766G variant (also known as c.2297A>G), located in coding exon 16 of the TSC1 gene, results from an A to G substitution at nucleotide position 2297. The glutamic acid at codon 766 is replaced by glycine, an amino acid with similar properties. This amino acid position is not well conserved in available vertebrate species. In addition, the in silico prediction for this alteration is inconclusive. Based on the available evidence, the clinical significance of this variant remains unclear.

NM_000368.5(TSC1):c.2297A>G (p.Glu766Gly)

Gene: TSC1 (TSC complex subunit 1; minus strand). Cytogenetic location: 9q34.13.
Variant type: single nucleotide variant.
Coding change: c.2297A>G on transcript NM_000368.5 (MANE Select); coding-DNA position 2297, A replaced by G.
Protein change: p.Glu766Gly; replaces glutamic acid 766 with glycine.
Molecular consequence: missense variant.
Genome position (GRCh38, 1-based): chr9:132,902,699, T>C on the plus strand (A>G on the coding strand, the complement: TSC1 is on the minus strand). VCF-style: chr9-132902699-T-C. GRCh37 (hg19) VCF-style: chr9-135778086-T-C.
Other names: c.2294A>G, p.Glu765Gly (NM_001162426.2); c.2144A>G, p.Glu715Gly (NM_001162427.2); c.1934A>G, p.Glu645Gly (NM_001362177.2); short protein forms E645G, E766G, E715G, E765G.
Identifiers: ClinVar variation 821023 (VCV000821023.5), dbSNP rs1588301593, ClinGen allele CA375359681.